The following is an entry in ClinVar:

NM_024577.4(SH3TC2):c.3425_3435del (p.Tyr1142fs)

Gene: SH3TC2 (SH3 domain and tetratricopeptide repeats 2; minus strand). Cytogenetic location: 5q32.
Variant type: Deletion.
Coding change: c.3425_3435del on transcript NM_024577.4 (MANE Select); coding-DNA positions 3425 to 3435, 11 bases deleted (ATGAGAAGGCT).
Protein change: p.Tyr1142fs; shifts the reading frame from tyrosine 1142.
Molecular consequence: frameshift variant.
Genome position (GRCh38, 1-based): chr5:149,008,894-149,008,904, AGCCTTCTCAT deleted on the plus strand (ATGAGAAGGCT on the coding strand, the reverse complement: SH3TC2 is on the minus strand); deleting any 11 consecutive bases within chr5:149,008,894-149,008,911 gives the same sequence; the c. name uses the placement nearest the transcript's 3' end. VCF-style (leftmost placement, unchanged base first): chr5-149008893-AAGCCTTCTCAT-A. GRCh37 (hg19) VCF-style: chr5-148388456-AAGCCTTCTCAT-A.
Other names: c.3425_3435delATGAGAAGGCT (NM_024577.3); short protein forms Y1142fs.
Identifiers: ClinVar variation 543408 (VCV000543408.8), dbSNP rs1222150652, ClinGen allele CA563541573.

ClinVar aggregate classification (germline): Pathogenic. Review status: criteria provided, multiple submitters, no conflicts (2 of 4 stars). 4 submissions from 4 submitters: Pathogenic (3). 1 of the submissions does not count toward it. Last evaluated 2024-04-23.

Conditions:
Charcot-Marie-Tooth disease type 4. Also called: Charcot-Marie-Tooth, Type 4; Charcot-Marie-Tooth disease, type IV. Identifiers: Orphanet 64749, MedGen C4082197, MONDO:0018995.
Charcot-Marie-Tooth disease type 4C (CMT4C). Also called: Charcot-Marie-Tooth Neuropathy Type 4C (CMT4C); CHARCOT-MARIE-TOOTH DISEASE, DEMYELINATING, AUTOSOMAL RECESSIVE, TYPE 4C; SH3TC2-Related Hereditary Motor and Sensory Neuropathy; CMT 4C; CHARCOT-MARIE-TOOTH DISEASE, DEMYELINATING, TYPE 4C. Identifiers: Orphanet 99949, MedGen C1866636, MONDO:0011113, OMIM 601596.
Susceptibility to mononeuropathy of the median nerve, mild. Also called: CARPAL TUNNEL SYNDROME, SUSCEPTIBILITY TO. Identifiers: MedGen C3150596, MONDO:0013237, OMIM 613353.
Charcot-Marie-Tooth disease, type I (CMT1). Also called: Charcot-Marie-Tooth disease type 1; Charcot-Marie-Tooth, Type 1. Identifiers: Orphanet 65753, MedGen C0751036, MONDO:0019011.

Submissions (4):

Fulgent Genetics
Classification: Pathogenic for Charcot-Marie-Tooth disease type 4C; Susceptibility to mononeuropathy of the median nerve, mild. Last evaluated: 2024-04-23. Review status: criteria provided, single submitter. Criteria: ACMG Guidelines, 2015. Collection method: clinical testing. Allele origin: germline.

Genetics and Molecular Pathology, SA Pathology
Classification: Pathogenic for Charcot-Marie-Tooth disease type 4C. Last evaluated: 2023-03-21. Review status: criteria provided, single submitter. Criteria: ACMG Guidelines, 2015. Collection method: clinical testing. Allele origin: germline. Inheritance: Autosomal recessive inheritance. Affected: yes.
Comment: The SH3TC2 c.3425_3435del variant is classified as PATHOGENIC (PVS1, PM2, PM3, PS4_supporting) This SH3TC2 c.3425_3435del variant is located in exon 15/17 and is predicted to cause a shift in the reading frame at codon 1142 (PVS1). The variant is rare in population databases (gnomAD allele frequency = 0.00065%; 1 het and 0 hom in 152148 sequenced alleles; highest frequency = 0.0024%, African/African American population) (PM2). This variant has been detected in trans with the pathogenic variant NM_024577.4:c.2860C>T for this recessive condition (PM3). The variant has been reported in dbSNP (rs1222150652) and has been reported as Pathogenic by other diagnostic laboratories (ClinVar Variation ID: 543408) (PS4_supporting). It has not been reported in HGMD.

Labcorp Genetics (formerly Invitae), Labcorp
Classification: Pathogenic for Charcot-Marie-Tooth disease type 4. Last evaluated: 2020-09-10. Review status: criteria provided, single submitter. Criteria: Invitae Variant Classification Sherloc (09022015). Collection method: clinical testing. Allele origin: germline.
Comment: For these reasons, this variant has been classified as Pathogenic. Loss-of-function variants in SH3TC2 are known to be pathogenic (PMID: 20220177, 27068304). This variant has not been reported in the literature in individuals with SH3TC2-related conditions. ClinVar contains an entry for this variant (Variation ID: 543408). This variant is not present in population databases (ExAC no frequency). This sequence change creates a premature translational stop signal (p.Tyr1142Phefs*38) in the SH3TC2 gene. It is expected to result in an absent or disrupted protein product.

Genesis Genome Database
Classification: Uncertain significance for Charcot-Marie-Tooth disease, type I. Last evaluated: 2019-08-14. Review status: no assertion criteria provided. Collection method: research. Allele origin: germline. Affected: yes. Not counted in ClinVar's aggregate classification.

Literature cited by the submitters: PubMed 20220177 (cited by Labcorp Genetics (formerly Invitae), Labcorp); PubMed 27068304 (cited by Labcorp Genetics (formerly Invitae), Labcorp).